The following is an entry in ClinVar:

NM_032608.7(MYO18B):c.2120C>T (p.Ser707Phe)

Gene: MYO18B (myosin XVIIIB; plus strand). Cytogenetic location: 22q12.1.
Variant type: single nucleotide variant.
Coding change: c.2120C>T on transcript NM_032608.7 (MANE Select); coding-DNA position 2120, C replaced by T.
Protein change: p.Ser707Phe; replaces serine 707 with phenylalanine.
Molecular consequence: missense variant.
Genome position (GRCh38, 1-based): chr22:25,780,107, C>T. VCF-style: chr22-25780107-C-T. GRCh37 (hg19) VCF-style: chr22-26176074-C-T.
Other names: c.2120C>T, p.Ser707Phe (NM_001318245.2); short protein forms S707F.
Identifiers: ClinVar variation 1514723 (VCV001514723.6), dbSNP rs1240279429, ClinGen allele CA410993545.

ClinVar aggregate classification (germline): Uncertain significance (1 of 4 stars; one submission).

Submission:

Labcorp Genetics (formerly Invitae), Labcorp
Classification: Uncertain significance. Last evaluated: 2022-09-07. Review status: criteria provided, single submitter. Criteria: Invitae Variant Classification Sherloc (09022015). Collection method: clinical testing. Allele origin: germline.
Comment: ClinVar contains an entry for this variant (Variation ID: 1514723). This sequence change replaces serine with phenylalanine at codon 707 of the MYO18B protein (p.Ser707Phe). The serine residue is moderately conserved and there is a large physicochemical difference between serine and phenylalanine. This variant is not present in population databases (gnomAD no frequency). This variant has not been reported in the literature in individuals affected with MYO18B-related conditions. Algorithms developed to predict the effect of missense changes on protein structure and function are either unavailable or do not agree on the potential impact of this missense change (SIFT: "Not Available"; PolyPhen-2: "Possibly Damaging"; Align-GVGD: "Not Available"). In summary, the available evidence is currently insufficient to determine the role of this variant in disease. Therefore, it has been classified as a Variant of Uncertain Significance.